The following is an entry in ClinVar:

ClinVar aggregate classification (germline): Uncertain significance (0 of 4 stars; one submission).

Conditions:
PCGF2-related disorder. Also called: PCGF2-related condition.

gnomAD v4.1: 20 of 1,593,514 alleles (0.0013%); highest among the groups gnomAD compares: Admixed American, 0.0018%; no homozygotes.

Submission:

PreventionGenetics, part of Exact Sciences
Classification: Uncertain significance for PCGF2-related condition. Last evaluated: 2024-09-09. Review status: no assertion criteria provided. Collection method: clinical testing. Allele origin: germline.
Comment: The PCGF2 c.767G>A variant is predicted to result in the amino acid substitution p.Cys256Tyr. To our knowledge, this variant has not been reported in the literature or in gnomAD, indicating that this variant is rare. At this time, the clinical significance of this variant is uncertain due to the absence of conclusive functional and genetic evidence.

NM_007144.3(PCGF2):c.767G>A (p.Cys256Tyr)

Genes: CISD3 (CDGSH iron sulfur domain 3; plus strand), PCGF2 (polycomb group ring finger 2; minus strand). Cytogenetic location: 17q12.
Variant type: single nucleotide variant.
Coding change: c.767G>A on transcript NM_007144.3 (MANE Select); coding-DNA position 767, G replaced by A.
Protein change: p.Cys256Tyr; replaces cysteine 256 with tyrosine.
Molecular consequence: missense variant. On other transcripts: 3 prime UTR variant (1).
Genome position (GRCh38, 1-based): chr17:38,735,491, C>T on the plus strand (G>A on the coding strand, the complement: PCGF2 is on the minus strand). VCF-style: chr17-38735491-C-T. GRCh37 (hg19) VCF-style: chr17-36891744-C-T.
Other names: c.*2036C>T (NM_001136498.2); c.767G>A, p.Cys256Tyr (NM_001369614.1, NM_001369615.1); short protein forms C256Y.
Identifiers: ClinVar variation 3344182 (VCV003344182.1).